The following is an entry in ClinVar:

ClinVar aggregate classification (germline): Likely benign (0 of 4 stars; one submission).

Conditions:
UBQLN2-related disorder. Also called: UBQLN2-related condition.

Allele frequency attached by ClinVar (database versions not stated): gnomAD exomes below 0.00001.

Submission:

PreventionGenetics, part of Exact Sciences
Classification: Likely benign for UBQLN2-related condition. Last evaluated: 2019-04-01. Review status: no assertion criteria provided. Collection method: clinical testing. Allele origin: germline.
Comment: This variant is classified as likely benign based on ACMG/AMP sequence variant interpretation guidelines (Richards et al. 2015 PMID: 25741868, with internal and published modifications).

NM_013444.4(UBQLN2):c.348C>T (p.Ser116=)

Gene: UBQLN2 (ubiquilin 2; plus strand). Cytogenetic location: Xp11.21.
Variant type: single nucleotide variant.
Coding change: c.348C>T on transcript NM_013444.4 (MANE Select); coding-DNA position 348, C replaced by T.
Protein change: p.Ser116=; no amino-acid change (serine 116 retained).
Molecular consequence: synonymous variant.
Genome position (GRCh38, 1-based): chrX:56,564,221, C>T. VCF-style: chrX-56564221-C-T. GRCh37 (hg19) VCF-style: chrX-56590654-C-T.
Identifiers: ClinVar variation 3043611 (VCV003043611.2), dbSNP rs2519961848, ClinGen allele CA516700876.
Genomic context (GRCh38, chrX:56,564,221, plus strand): 5'-GACTGTTCACCTTGTCATCAAAAGCCAGAACCGACCTCAGGGCCAGTCCACGCAGCCTAG[C>T]AATGCCGCGGGAACTAACACTACCTCGGCGTCGACTCCCAGGAGTAACTCCACACCTATT-3'
Protein context (NP_038472.2, residues 106-126): NRPQGQSTQP[Ser116=]NAAGTNTTSA